The following is an entry in ClinVar:

ClinVar aggregate classification (germline): Uncertain significance (1 of 4 stars; one submission).

Conditions:
Bloom syndrome (BLM). Also called: Bloom-Torre-Machacek syndrome. Identifiers: Orphanet 125, MedGen C0005859, MONDO:0008876, OMIM 210900.

Submission:

Labcorp Genetics (formerly Invitae), Labcorp
Classification: Uncertain significance for Bloom syndrome. Last evaluated: 2024-12-28. Review status: criteria provided, single submitter. Criteria: Invitae Variant Classification Sherloc (09022015). Collection method: clinical testing. Allele origin: germline.
Comment: This sequence change replaces isoleucine, which is neutral and non-polar, with valine, which is neutral and non-polar, at codon 1117 of the BLM protein (p.Ile1117Val). This variant is not present in population databases (gnomAD no frequency). This variant has not been reported in the literature in individuals affected with BLM-related conditions. Invitae Evidence Modeling of protein sequence and biophysical properties (such as structural, functional, and spatial information, amino acid conservation, physicochemical variation, residue mobility, and thermodynamic stability) indicates that this missense variant is not expected to disrupt BLM protein function with a negative predictive value of 80%. In summary, the available evidence is currently insufficient to determine the role of this variant in disease. Therefore, it has been classified as a Variant of Uncertain Significance.

NM_000057.4(BLM):c.3349A>G (p.Ile1117Val)

Gene: BLM (BLM RecQ like helicase; plus strand). Cytogenetic location: 15q26.1.
Variant type: single nucleotide variant.
Coding change: c.3349A>G on transcript NM_000057.4 (MANE Select); coding-DNA position 3349, A replaced by G.
Protein change: p.Ile1117Val; replaces isoleucine 1117 with valine.
Molecular consequence: missense variant.
Genome position (GRCh38, 1-based): chr15:90,798,328, A>G. VCF-style: chr15-90798328-A-G. GRCh37 (hg19) VCF-style: chr15-91341558-A-G.
Other names: c.3349A>G, p.Ile1117Val (NM_001287246.2, NM_001287247.2); c.2224A>G, p.Ile742Val (NM_001287248.2); short protein forms I1117V, I742V.
Identifiers: ClinVar variation 3624872 (VCV003624872.2).